The following is an entry in ClinVar:

NM_170682.4(P2RX2):c.906-7A>T

Gene: P2RX2 (purinergic receptor P2X 2; plus strand). Cytogenetic location: 12q24.33.
Variant type: single nucleotide variant.
Coding change: c.906-7A>T on transcript NM_170682.4 (MANE Select); 7 bases into the intron before coding-DNA position 906, A replaced by T.
Molecular consequence: intron variant.
Genome position (GRCh38, 1-based): chr12:132,621,248, A>T. VCF-style: chr12-132621248-A-T. GRCh37 (hg19) VCF-style: chr12-133197834-A-T.
Other names: c.906-7A>T (NM_001282165.2, NM_170683.4, NM_174873.3 and 1 more transcripts); c.834-7A>T (NM_016318.4); c.804-7A>T (NM_001282164.2); c.690-7A>T (NM_012226.5); c.630-7A>T (NM_174872.3).
Identifiers: ClinVar variation 1201136 (VCV001201136.15), dbSNP rs375236332, ClinGen allele CA6891725.

ClinVar aggregate classification (germline): Benign/Likely benign. Review status: criteria provided, multiple submitters, no conflicts (2 of 4 stars). 4 submissions from 4 submitters: Benign (1); Likely benign (2). 1 of the submissions does not count toward it. Last evaluated 2025-06-16.

Conditions:
P2RX2-related disorder. Also called: P2RX2-related condition.

Allele frequency attached by ClinVar (database versions not stated): gnomAD exomes 0.00009 and 0.00026; ExAC 0.00031; gnomAD 0.00078 and 0.00081; TOPMed 0.00094; ESP Exome Variant Server 0.00100; 1000 Genomes Project 0.00140; 1000 Genomes Project 30x 0.00203.

Submissions (4):

Labcorp Genetics (formerly Invitae), Labcorp
Classification: Benign. Last evaluated: 2025-06-16. Review status: criteria provided, single submitter. Criteria: Invitae Variant Classification Sherloc (09022015). Collection method: clinical testing. Allele origin: germline.

GeneDx
Classification: Likely benign. Last evaluated: 2022-06-20. Review status: criteria provided, single submitter. Criteria: GeneDx Variant Classification Process June 2021. Collection method: clinical testing. Allele origin: germline. Affected: yes.
Comment: See Variant Classification Assertion Criteria.

Breakthrough Genomics
Classification: Likely benign. Review status: criteria provided, single submitter. Criteria: ACMG Guidelines, 2015. Collection method: not provided. Allele origin: germline. Inheritance: Autosomal dominant inheritance. Affected: yes.

PreventionGenetics, part of Exact Sciences
Classification: Likely benign for P2RX2-related condition. Last evaluated: 2019-04-05. Review status: no assertion criteria provided. Collection method: clinical testing. Allele origin: germline. Not counted in ClinVar's aggregate classification.
Comment: This variant is classified as likely benign based on ACMG/AMP sequence variant interpretation guidelines (Richards et al. 2015 PMID: 25741868, with internal and published modifications).